The following is an entry in ClinVar:

NM_018082.6(POLR3B):c.2179T>C (p.Leu727=)

Gene: POLR3B (RNA polymerase III subunit B; plus strand). Cytogenetic location: 12q23.3.
Variant type: single nucleotide variant.
Coding change: c.2179T>C on transcript NM_018082.6 (MANE Select); coding-DNA position 2179, T replaced by C.
Protein change: p.Leu727=; no amino-acid change (leucine 727 retained).
Molecular consequence: synonymous variant.
Genome position (GRCh38, 1-based): chr12:106,454,597, T>C. VCF-style: chr12-106454597-T-C. GRCh37 (hg19) VCF-style: chr12-106848375-T-C.
Other names: c.2005T>C, p.Leu669= (NM_001160708.2).
Identifiers: ClinVar variation 882401 (VCV000882401.25), dbSNP rs375960295, ClinGen allele CA6762137.

ClinVar aggregate classification (germline): Conflicting classifications of pathogenicity. Review status: criteria provided, conflicting classifications (1 of 4 stars). 3 submissions from 3 submitters: Uncertain significance (1); Likely benign (2). Last evaluated 2024-12-01.

Conditions:
Leukodystrophy, hypomyelinating, 8, with or without oligodontia and/or hypogonadotropic hypogonadism. Also called: Endosteal sclerosis-cerebellar hypoplasia syndrome; Hypomyelinating leukodystrophy 8 with or without oligodontia and-or hypogonadotropic hypogonadism; LEUKODYSTROPHY, HYPOMYELINATING, 8, WITH HYPODONTIA AND HYPOGONADOTROPIC HYPOGONADISM. Identifiers: Orphanet 85186, Orphanet 88637, MedGen C3280644, MONDO:0013722, OMIM 614381.

Allele frequency attached by ClinVar (database versions not stated): gnomAD 0.00007; ESP Exome Variant Server 0.00015; TOPMed 0.00011.
gnomAD v4.1: 67 of 1,607,802 alleles (0.0042%); highest among the groups gnomAD compares: Middle Eastern, 0.05%; no homozygotes.

Submissions (3):

CeGaT Center for Human Genetics Tuebingen
Classification: Likely benign. Last evaluated: 2024-12-01. Review status: criteria provided, single submitter. Criteria: CeGaT Center For Human Genetics Tuebingen Variant Classification Criteria Version 2. Collection method: clinical testing. Allele origin: germline. Affected: yes. Observed: 1 variant allele.
Comment: POLR3B: BP4, BP7

Labcorp Genetics (formerly Invitae), Labcorp
Classification: Likely benign. Last evaluated: 2024-03-17. Review status: criteria provided, single submitter. Criteria: Invitae Variant Classification Sherloc (09022015). Collection method: clinical testing. Allele origin: germline.

Illumina Laboratory Services, Illumina
Classification: Uncertain significance for Leukodystrophy, hypomyelinating, 8, with or without oligodontia and/or hypogonadotropic hypogonadism. Last evaluated: 2018-01-12. Review status: criteria provided, single submitter. Criteria: ICSL Variant Classification Criteria 13 December 2019. Collection method: clinical testing. Allele origin: germline.